The following is an entry in ClinVar:

NM_003873.7(NRP1):c.2298G>A (p.Gly766=)

Gene: NRP1 (neuropilin 1; minus strand). Cytogenetic location: 10p11.22.
Variant type: single nucleotide variant.
Coding change: c.2298G>A on transcript NM_003873.7 (MANE Select); coding-DNA position 2298, G replaced by A.
Protein change: p.Gly766=; no amino-acid change (glycine 766 retained).
Molecular consequence: synonymous variant. On other transcripts: non-coding transcript variant (1).
Genome position (GRCh38, 1-based): chr10:33,186,253, C>T on the plus strand (G>A on the coding strand, the complement: NRP1 is on the minus strand). VCF-style: chr10-33186253-C-T. GRCh37 (hg19) VCF-style: chr10-33475181-C-T.
Other names: c.2280G>A, p.Gly760= (NM_001244972.2); c.2277G>A, p.Gly759= (NM_001244973.2); c.2298G>A, p.Gly766= (NM_001330068.2).
Identifiers: ClinVar variation 4977653 (VCV004977653.1).
Genomic context (GRCh38, chr10:33,186,253, plus strand): 5'-CCCAGCCTTGGGAAGAGGTCATACCTGATAAAGTTTCAGAGACTTGTGGAGCAAGACACG[C>T]CCTTCCTTCCAGTGGTCACCTTGGTGTCCAATGGCCATCCAGACCAGCTGATCGTACTCC-3'
Protein context (NP_003864.5, residues 756-776): IGHQGDHWKE[Gly766=]RVLLHKSLKL

ClinVar aggregate classification (germline): Likely benign (1 of 4 stars; one submission).

Conditions:
NRP1-related disorder. Also called: NRP1-related condition.

gnomAD v4.1: 7 of 1,612,648 alleles (0.00043%); highest among the groups gnomAD compares: Admixed American, 0.012%; no homozygotes.

Submission:

PreventionGenetics, part of Exact Sciences
Classification: Likely benign for NRP1-related condition. Last evaluated: 2025-08-08. Review status: criteria provided, single submitter. Criteria: ACMG Guidelines, 2015. Collection method: clinical testing. Allele origin: germline.
Comment: This variant is classified as likely benign based on ACMG/AMP sequence variant interpretation guidelines (Richards et al. 2015 PMID: 25741868, with internal and published modifications).